The following is an entry in ClinVar:

NM_005994.4(TBX2):c.1056G>A (p.Glu352=)

Gene: TBX2 (T-box transcription factor 2; plus strand). Cytogenetic location: 17q23.2.
Variant type: single nucleotide variant.
Coding change: c.1056G>A on transcript NM_005994.4 (MANE Select); coding-DNA position 1056, G replaced by A.
Protein change: p.Glu352=; no amino-acid change (glutamic acid 352 retained).
Molecular consequence: synonymous variant.
Genome position (GRCh38, 1-based): chr17:61,405,206, G>A. VCF-style: chr17-61405206-G-A. GRCh37 (hg19) VCF-style: chr17-59482567-G-A.
Identifiers: ClinVar variation 737583 (VCV000737583.5), dbSNP rs373257450, ClinGen allele CA8689319.

ClinVar aggregate classification (germline): Benign. Review status: criteria provided, single submitter (1 of 4 stars). 2 submissions from 2 submitters: Benign (1). 1 of the submissions does not count toward it. Last evaluated 2018-03-29.

Conditions:
TBX2-related disorder. Also called: TBX2-related condition.

Allele frequency attached by ClinVar (database versions not stated): gnomAD exomes 0.00008 and 0.00018; gnomAD 0.00088 and 0.00093; TOPMed 0.00097; ExAC 0.00098; 1000 Genomes Project 0.00160.
gnomAD v4.1: 248 of 1,533,534 alleles (0.016%); highest among the groups gnomAD compares: African/African-American, 0.31%; 1 homozygote.

Submissions (2):

Labcorp Genetics (formerly Invitae), Labcorp
Classification: Benign. Last evaluated: 2018-03-29. Review status: criteria provided, single submitter. Criteria: Invitae Variant Classification Sherloc (09022015). Collection method: clinical testing. Allele origin: germline.

PreventionGenetics, part of Exact Sciences
Classification: Likely benign for TBX2-related condition. Last evaluated: 2019-10-28. Review status: no assertion criteria provided. Collection method: clinical testing. Allele origin: germline. Not counted in ClinVar's aggregate classification.
Comment: This variant is classified as likely benign based on ACMG/AMP sequence variant interpretation guidelines (Richards et al. 2015 PMID: 25741868, with internal and published modifications).